The following is an entry in ClinVar:

ClinVar aggregate classification (germline): Uncertain significance. Review status: criteria provided, multiple submitters, no conflicts (2 of 4 stars). 2 submissions from 2 submitters: Uncertain significance (2). Last evaluated 2021-03-12.

Allele frequency attached by ClinVar (database versions not stated): TOPMed below 0.00001; gnomAD 0.00001.
gnomAD v4.1: 1 of 1,186,892 alleles (0.000084%); highest among the groups gnomAD compares: African/African-American, 0.0018%; no homozygotes.

Submissions (2):

Labcorp Genetics (formerly Invitae), Labcorp
Classification: Uncertain significance. Last evaluated: 2021-03-12. Review status: criteria provided, single submitter. Criteria: Invitae Variant Classification Sherloc (09022015). Collection method: clinical testing. Allele origin: germline.
Comment: This sequence change replaces cysteine with arginine at codon 113 of the FRMD7 protein (p.Cys113Arg). The cysteine residue is highly conserved and there is a large physicochemical difference between cysteine and arginine. This variant is not present in population databases (ExAC no frequency). This variant has not been reported in the literature in individuals with FRMD7-related conditions. Algorithms developed to predict the effect of missense changes on protein structure and function (SIFT, PolyPhen-2, Align-GVGD) all suggest that this variant is likely to be disruptive, but these predictions have not been confirmed by published functional studies and their clinical significance is uncertain. In summary, the available evidence is currently insufficient to determine the role of this variant in disease. Therefore, it has been classified as a Variant of Uncertain Significance.

GeneDx
Classification: Uncertain significance. Last evaluated: 2019-05-08. Review status: criteria provided, single submitter. Criteria: GeneDx Variant Classification Process June 2021. Collection method: clinical testing. Allele origin: germline. Affected: yes.
Comment: Not observed in large population cohorts (Lek et al., 2016); In silico analysis, which includes protein predictors and evolutionary conservation, supports a deleterious effect; Has not been previously published as pathogenic or benign to our knowledge

NM_194277.3(FRMD7):c.337T>C (p.Cys113Arg)

Gene: FRMD7 (FERM domain containing 7; minus strand). Cytogenetic location: Xq26.2.
Variant type: single nucleotide variant.
Coding change: c.337T>C on transcript NM_194277.3 (MANE Select); coding-DNA position 337, T replaced by C.
Protein change: p.Cys113Arg; replaces cysteine 113 with arginine.
Molecular consequence: missense variant.
Genome position (GRCh38, 1-based): chrX:132,094,087, A>G on the plus strand (T>C on the coding strand, the complement: FRMD7 is on the minus strand). VCF-style: chrX-132094087-A-G. GRCh37 (hg19) VCF-style: chrX-131228115-A-G.
Other names: c.292T>C, p.Cys98Arg (NM_001306193.2); short protein forms C113R, C98R.
Identifiers: ClinVar variation 1305761 (VCV001305761.9), dbSNP rs1416800877, ClinGen allele CA414681655.